The following is an entry in ClinVar:

ClinVar aggregate classification (germline): Uncertain significance. Review status: criteria provided, multiple submitters, no conflicts (2 of 4 stars). 3 submissions from 3 submitters: Uncertain significance (3). Last evaluated 2024-11-20.

Conditions:
Combined oxidative phosphorylation defect type 7. Identifiers: Orphanet 254930, MedGen C3150801, MONDO:0013306, OMIM 613559.
Spastic paraplegia. Identifiers: MedGen C0037772, HP:0001258.

Allele frequency attached by ClinVar (database versions not stated): TOPMed 0.00001; ExAC 0.00002; gnomAD exomes 0.00002.
gnomAD v4.1: 24 of 1,614,182 alleles (0.0015%); highest among the groups gnomAD compares: South Asian, 0.02%; 1 homozygote.

Submissions (3):

GeneDx
Classification: Uncertain significance. Last evaluated: 2024-11-20. Review status: criteria provided, single submitter. Criteria: GeneDx Variant Classification Process June 2021. Collection method: clinical testing. Allele origin: germline. Affected: yes.
Comment: Not observed at significant frequency in large population cohorts (gnomAD); In silico analysis supports that this missense variant has a deleterious effect on protein structure/function; Has not been previously published as pathogenic or benign to our knowledge

Labcorp Genetics (formerly Invitae), Labcorp
Classification: Uncertain significance for Combined oxidative phosphorylation defect type 7; Spastic paraplegia. Last evaluated: 2022-04-20. Review status: criteria provided, single submitter. Criteria: Invitae Variant Classification Sherloc (09022015). Collection method: clinical testing. Allele origin: germline.
Comment: In summary, the available evidence is currently insufficient to determine the role of this variant in disease. Therefore, it has been classified as a Variant of Uncertain Significance. Algorithms developed to predict the effect of missense changes on protein structure and function output the following: SIFT: "Tolerated"; PolyPhen-2: "Benign"; Align-GVGD: "Class C0". The serine amino acid residue is found in multiple mammalian species, which suggests that this missense change does not adversely affect protein function. ClinVar contains an entry for this variant (Variation ID: 307494). This variant has not been reported in the literature in individuals affected with C12orf65-related conditions. This variant is present in population databases (rs751310720, gnomAD 0.01%). This sequence change replaces proline, which is neutral and non-polar, with serine, which is neutral and polar, at codon 12 of the C12orf65 protein (p.Pro12Ser).

Illumina Laboratory Services, Illumina
Classification: Uncertain significance for Combined oxidative phosphorylation defect type 7. Last evaluated: 2018-01-13. Review status: criteria provided, single submitter. Criteria: ICSL Variant Classification Criteria 13 December 2019. Collection method: clinical testing. Allele origin: germline.

NM_152269.5(MTRFR):c.34C>T (p.Pro12Ser)

Gene: MTRFR (mitochondrial translation release factor in rescue; plus strand). Cytogenetic location: 12q24.31.
Variant type: single nucleotide variant.
Coding change: c.34C>T on transcript NM_152269.5 (MANE Select); coding-DNA position 34, C replaced by T.
Protein change: p.Pro12Ser; replaces proline 12 with serine.
Molecular consequence: missense variant.
Genome position (GRCh38, 1-based): chr12:123,253,708, C>T. VCF-style: chr12-123253708-C-T. GRCh37 (hg19) VCF-style: chr12-123738255-C-T.
Other names: c.34C>T, p.Pro12Ser (NM_001143905.2, NM_001194995.1); short protein forms P12S.
Identifiers: ClinVar variation 307494 (VCV000307494.10), dbSNP rs751310720, ClinGen allele CA6856504.